The following is an entry in ClinVar:

ClinVar aggregate classification (germline): Uncertain significance (1 of 4 stars; one submission).

Conditions:
Encephalopathy, acute, infection-induced (herpes-specific), susceptibility to, 1. Also called: Herpes simplex encephalitis, susceptibility to, 1. Identifiers: Orphanet 1930, MedGen C2750180, MONDO:0024563, OMIM 610551.

Submission:

Labcorp Genetics (formerly Invitae), Labcorp
Classification: Uncertain significance for Encephalopathy, acute, infection-induced (herpes-specific), susceptibility to, 1. Last evaluated: 2025-04-07. Review status: criteria provided, single submitter. Criteria: Invitae Variant Classification Sherloc (09022015). Collection method: clinical testing. Allele origin: germline.
Comment: This sequence change replaces serine, which is neutral and polar, with phenylalanine, which is neutral and non-polar, at codon 339 of the TLR3 protein (p.Ser339Phe). This variant is not present in population databases (gnomAD no frequency). This variant has not been reported in the literature in individuals affected with TLR3-related conditions. An algorithm developed to predict the effect of missense changes on protein structure and function outputs the following: PolyPhen-2: "Benign". The phenylalanine amino acid residue is found in multiple mammalian species, which suggests that this missense change does not adversely affect protein function. In summary, the available evidence is currently insufficient to determine the role of this variant in disease. Therefore, it has been classified as a Variant of Uncertain Significance.

NM_003265.3(TLR3):c.1016C>T (p.Ser339Phe)

Gene: TLR3 (toll like receptor 3; plus strand). Cytogenetic location: 4q35.1.
Variant type: single nucleotide variant.
Coding change: c.1016C>T on transcript NM_003265.3 (MANE Select); coding-DNA position 1016, C replaced by T.
Protein change: p.Ser339Phe; replaces serine 339 with phenylalanine.
Molecular consequence: missense variant.
Genome position (GRCh38, 1-based): chr4:186,082,702, C>T. VCF-style: chr4-186082702-C-T. GRCh37 (hg19) VCF-style: chr4-187003856-C-T.
Other names: short protein forms S339F.
Identifiers: ClinVar variation 4763290 (VCV004763290.1).